The following is an entry in ClinVar:

NM_001374736.1(DST):c.21985C>T (p.Arg7329Ter)

Gene: DST (dystonin; minus strand). Cytogenetic location: 6p12.1.
Variant type: single nucleotide variant.
Coding change: c.21985C>T on transcript NM_001374736.1 (MANE Select); coding-DNA position 21985, C replaced by T.
Protein change: p.Arg7329Ter; replaces arginine 7329 with a stop codon.
Molecular consequence: nonsense.
Genome position (GRCh38, 1-based): chr6:56,473,882, G>A on the plus strand (C>T on the coding strand, the complement: DST is on the minus strand). VCF-style: chr6-56473882-G-A. GRCh37 (hg19) VCF-style: chr6-56338680-G-A.
Other names: c.15628C>T, p.Arg5210Ter (NM_001144769.5); c.15214C>T, p.Arg5072Ter (NM_001144770.2); c.21985C>T, p.Arg7329Ter (NM_001374722.1); c.21025C>T, p.Arg7009Ter (NM_001374729.1); c.14767C>T, p.Arg4923Ter (NM_001374730.1); c.22012C>T, p.Arg7338Ter (NM_001374734.1); c.15094C>T, p.Arg5032Ter (NM_001386100.1, NM_183380.4); c.14116C>T, p.Arg4706Ter (NM_015548.5); short protein forms R5072*, R5210*, R7329*, R7338*, R5032*, R7009*, R4706*, R4923*.
Identifiers: ClinVar variation 1453209 (VCV001453209.8), dbSNP rs2152403168, ClinGen allele CA364509507.
Genomic context (GRCh38, chr6:56,473,882, plus strand): 5'-AAATTAGCTCCCTTATTTATTGACATTTTAAAGAAATTGATCACTGCTTACTTCCTGCTC[G>A]TCCCTTATCCAAGACTGGAATATGGGATTGTAATGAGGAAGGATCAGCAGCTCTCCTCTT-3'

ClinVar aggregate classification (germline): Pathogenic. Review status: criteria provided, multiple submitters, no conflicts (2 of 4 stars). 2 submissions from 2 submitters: Pathogenic (2). Last evaluated 2021-12-11.

Conditions:
Epidermolysis bullosa simplex 3, localized or generalized intermediate, with BP230 deficiency (EBS3). Also called: Epidermolysis bullosa simplex, autosomal recessive 2; Epidermolysis bullosa simplex due to BP230 deficiency. Identifiers: Orphanet 412181, MedGen C3809470, MONDO:0014180, OMIM 615425.
Hereditary sensory and autonomic neuropathy type 6. Also called: Neuropathy, hereditary sensory and autonomic, type VI; HSAN VI. Identifiers: Orphanet 314381, MedGen C3539003, MONDO:0013839, OMIM 614653.
Inborn genetic diseases. Identifiers: MedGen C0950123, MeSH D030342.

gnomAD v4.1: 3 of 1,599,162 alleles (0.00019%); highest among the groups gnomAD compares: Non-Finnish European, 0.00026%; no homozygotes.

Submissions (2):

Labcorp Genetics (formerly Invitae), Labcorp
Classification: Pathogenic for Epidermolysis bullosa simplex 3, localized or generalized intermediate, with BP230 deficiency; Hereditary sensory and autonomic neuropathy type 6. Last evaluated: 2021-12-11. Review status: criteria provided, single submitter. Criteria: Invitae Variant Classification Sherloc (09022015). Collection method: clinical testing. Allele origin: germline.
Comment: The DST gene has multiple clinically relevant transcripts. This variant occurs in alternate transcript NM_015548.4, and corresponds to NM_001723.5:c.*141635C>T in the primary transcript. This sequence change creates a premature translational stop signal (p.Arg4706*) in the DST gene. It is expected to result in an absent or disrupted protein product. Loss-of-function variants in DST are known to be pathogenic (PMID: 22522446, 25059916, 30371979). This variant is not present in population databases (gnomAD no frequency). This variant has not been reported in the literature in individuals affected with DST-related conditions. For these reasons, this variant has been classified as Pathogenic.

Ambry Genetics
Classification: Pathogenic for Inborn genetic diseases. Last evaluated: 2021-06-08. Review status: criteria provided, single submitter. Criteria: Ambry Variant Classification Scheme 2023. Collection method: clinical testing. Allele origin: germline.
Comment: The p.R5210* variant (also known as c.15628C>T), located in coding exon 87 of the DST gene, results from a C to T substitution at nucleotide position 15628. This changes the amino acid from an arginine to a stop codon within coding exon 87. This variant is considered to be rare based on population cohorts in the Genome Aggregation Database (gnomAD). This alteration is expected to result in loss of function by premature protein truncation or nonsense-mediated mRNA decay. As such, this alteration is interpreted as a disease-causing mutation.

Literature cited by the submitters: PubMed 22522446 (cited by Labcorp Genetics (formerly Invitae), Labcorp); PubMed 25059916 (cited by Labcorp Genetics (formerly Invitae), Labcorp); PubMed 30371979 (cited by Labcorp Genetics (formerly Invitae), Labcorp).